The following is an entry in ClinVar:

ClinVar aggregate classification (germline): Uncertain significance (1 of 4 stars; one submission).

Conditions:
Fanconi anemia complementation group A (FANCA). Also called: FANCA-Related Fanconi Anemia; Fanconi anemia, group A. Identifiers: Orphanet 84, MedGen C3469521, MONDO:0009215, OMIM 227650.

Submission:

Myriad Genetics, Inc.
Classification: Uncertain significance for Fanconi anemia complementation group A. Last evaluated: 2026-04-13. Review status: criteria provided, single submitter. Criteria: Myriad Autosomal Dominant, Autosomal Recessive and X-Linked Classification Criteria (2023). Collection method: clinical testing. Allele origin: unknown.
Comment: NM_000135.2(FANCA):c.2087_2116del30(S696_S705del) is an in-frame deletion classified as a variant of uncertain significance in the context of Fanconi anemia complementation group A. S696_S705del has not been observed in cases with relevant disease. Relevant functional assessments of this variant are not available in the literature. S696_S705del has not been observed in referenced population frequency databases. In summary, there is insufficient evidence to classify NM_000135.2(FANCA):c.2087_2116del30(S696_S705del) as pathogenic or benign. Please note: this variant was assessed in the context of healthy population screening.

NM_000135.4(FANCA):c.2087_2116del (p.Ser696_Ser705del)

Gene: FANCA (FA complementation group A; minus strand). Cytogenetic location: 16q24.3.
Variant type: Deletion.
Coding change: c.2087_2116del on transcript NM_000135.4 (MANE Select); coding-DNA positions 2087 to 2116, 30 bases deleted (GCGTTGAGATATCAAAGATTCAGCTCAGCA).
Protein change: p.Ser696_Ser705del.
Molecular consequence: inframe deletion.
Genome position (GRCh38, 1-based): chr16:89,771,713-89,771,742, TGCTGAGCTGAATCTTTGATATCTCAACGC deleted on the plus strand (GCGTTGAGATATCAAAGATTCAGCTCAGCA on the coding strand, the reverse complement: FANCA is on the minus strand); deleting any 30 consecutive bases within chr16:89,771,713-89,771,747 gives the same sequence; the c. name uses the placement nearest the transcript's 3' end. VCF-style (leftmost placement, unchanged base first): chr16-89771712-ATGCTGAGCTGAATCTTTGATATCTCAACGC-A. GRCh37 (hg19) VCF-style: chr16-89838120-ATGCTGAGCTGAATCTTTGATATCTCAACGC-A.
Other names: c.2087_2116del, p.Ser696_Ser705del (NM_001286167.3).
Identifiers: ClinVar variation 5004601 (VCV005004601.1).